The following continues an entry in ClinVar:

NM_000441.2(SLC26A4):c.2145G>T (p.Lys715Asn)

ClinVar aggregate classification (germline): Likely pathogenic. Likely pathogenic (1).

Submissions 13 to 18 of 18:

Victorian Clinical Genetics Services, Murdoch Childrens Research Institute
Classification: Pathogenic for Autosomal recessive nonsyndromic hearing loss 4. Last evaluated: 2020-05-26. Review status: criteria provided, single submitter. Criteria: ACMG Guidelines, 2015. Collection method: clinical testing. Allele origin: germline. Inheritance: Autosomal recessive inheritance. Affected: yes. Not counted in ClinVar's aggregate classification.
Comment: Based on the classification scheme VCGS_Germline_v1.1.1, this variant is classified as pathogenic. Following criteria are met: 0102 - Loss-of-function is a known mechanism of disease for this gene. (N) 0106 - This gene is known to be associated with autosomal recessive disease. (N) 0200 - Variant is predicted to result in a missense amino acid change from lysine to asparagine (exon 19). (N) 0251 - Variant is heterozygous. (N) 0304 - Variant is present in gnomAD <0.01 for a recessive condition (29 heterozygotes, 0 homozygotes). (P) 0309 - An alternative amino acid change at the same position has been observed in gnomAD (1 heterozygotes, 0 homozygotes). (N) 0502 - Missense variant with conflicting in silico predictions and/or uninformative conservation. (N) 0600 - Variant is located in an annotated domain or motif, (STAS domain; PDB). (N) 0705 - No comparable variants have previous evidence for pathogenicity. (N) 0801 - Strong previous evidence of pathogenicity in multiple unrelated individuals with recessive deafness (ClinVar, Deafnessvariationdatabase, PMID: 19287372, PMID: 26969326, PMID: 25372295). (P) 0905 - No segregation evidence has been identified for this variant. (N) 1002 - Moderate functional evidence supporting abnormal protein function. Transfected Xenopus oocytes demonstrated impaired chloride efflux activity and protein transport (PMID: 19509082) (P) 1208 - Inheritance information for this variant is not currently available. (N) Legend: (P) - Pathogenic, (N) - Neutral, (B) - Benign

CeGaT Center for Human Genetics Tuebingen
Classification: Likely pathogenic. Last evaluated: 2017-10-01. Review status: criteria provided, single submitter. Criteria: CeGaT Center For Human Genetics Tuebingen Variant Classification Criteria Version 2. Collection method: clinical testing. Allele origin: germline. Affected: yes. Observed: 1 variant allele. Not counted in ClinVar's aggregate classification.

Laboratory for Molecular Medicine, Mass General Brigham Personalized Medicine
Classification: Likely pathogenic for Rare genetic deafness. Last evaluated: 2012-03-22. Review status: criteria provided, single submitter. Criteria: LMM Criteria. Collection method: clinical testing. Allele origin: germline. Inheritance: Autosomal recessive inheritance. Observed: 1 variant allele. Not counted in ClinVar's aggregate classification.
Comment: The Lys715Asn variant in SLC26A4 has been reported in a heterozygous state in th ree probands with hearing loss and was absent from 100 control samples (Dia 2009 , Anwar 2009). In addition, functional studies showed reduced Cl- anion exchange activity compared to the wild type (Dia 2009). Furthermore, the presence of thi s variant in combination with a pathogenic variant and in an individual with cli nical features of hearing loss and EVA, increases the likelihood that the Lys715 Asn variant is pathogenic. In summary, this variant is likely pathogenic.

Genetics Research Center, University of Social Welfare and Rehabilitation Sciences
Classification: Likely pathogenic for Autosomal recessive nonsyndromic hearing loss 4. Review status: criteria provided, single submitter. Criteria: ACMG Guidelines, 2015. Collection method: research. Allele origin: germline. Affected: yes. Not counted in ClinVar's aggregate classification.
Comment: The variant is present in the gnomAD v2.1.1 dataset at a very low allele frequency (0.09%) and has been previously reported in individual(s) affected with SLC26A4-related hearing loss (PMID:28941661, 26188157, 32417962, 18813951, 33614372, 25372295, 35186384, 26186295, 19287372, 25999548, 35249537, 26969326). Experimental studies have shown that this missense change affects SLC26A4 function (PMID:19509082).

PreventionGenetics, part of Exact Sciences
Classification: Likely pathogenic for SLC26A4-related condition. Last evaluated: 2024-08-02. Review status: no assertion criteria provided. Collection method: clinical testing. Allele origin: germline. Not counted in ClinVar's aggregate classification.
Comment: The SLC26A4 c.2145G>T variant is predicted to result in the amino acid substitution p.Lys715Asn. This variant was reported in the compound heterozygous state in an individual with hearing loss as well as in a second individual who also had an enlarged vestibular aqueduct (Table S3, Sloan-Heggen et al. 2015. PubMed ID: 26445815; Chandru et al. 2020. PubMed ID: 32417962). In vitro experiments demonstrated this variant impacts protein function (Dai et al. 2009. PubMed ID: 19509082). This variant is reported in 0.095% of alleles in individuals of South Asian descent in gnomAD and is classified as likely pathogenic by the ClinGen Hearing Loss Variant Curation Expert Panel. This variant is interpreted as likely pathogenic.

Counsyl
Classification: Uncertain significance for Pendred syndrome. Last evaluated: 2018-04-10. Review status: no assertion criteria provided. Collection method: clinical testing. Allele origin: unknown. Not counted in ClinVar's aggregate classification.

Literature cited by the submitters: PubMed 38374194 (cited by Natera, Inc.); PubMed 34753855 (cited by Natera, Inc.); PubMed 32417962 (cited by 3 submitters); PubMed 25372295 (cited by 3 submitters); PubMed 26969326 (cited by 5 submitters); PubMed 26445815 (cited by 3 submitters); PubMed 19287372 (cited by 6 submitters); PubMed 30303587 (cited by Women's Health and Genetics/Laboratory Corporation of America, LabCorp); PubMed 19509082 (cited by 6 submitters); PubMed 28941661 (cited by Genetics Research Center, University of Social Welfare and Rehabilitation Sciences); PubMed 26188157 (cited by Genetics Research Center, University of Social Welfare and Rehabilitation Sciences and Counsyl); PubMed 18813951 (cited by Genetics Research Center, University of Social Welfare and Rehabilitation Sciences); PubMed 33614372 (cited by Genetics Research Center, University of Social Welfare and Rehabilitation Sciences); PubMed 35186384 (cited by Genetics Research Center, University of Social Welfare and Rehabilitation Sciences); PubMed 26186295 (cited by Genetics Research Center, University of Social Welfare and Rehabilitation Sciences); PubMed 25999548 (cited by Genetics Research Center, University of Social Welfare and Rehabilitation Sciences); PubMed 35249537 (cited by Genetics Research Center, University of Social Welfare and Rehabilitation Sciences).